The following is an entry in ClinVar:

ClinVar aggregate classification (germline): Uncertain significance (1 of 4 stars; one submission).

Submission:

GeneDx
Classification: Uncertain significance. Last evaluated: 2023-02-27. Review status: criteria provided, single submitter. Criteria: GeneDx Variant Classification Process June 2021. Collection method: clinical testing. Allele origin: germline. Affected: yes.
Comment: Not observed at significant frequency in large population cohorts (gnomAD); Missense variant in a gene in which most reported pathogenic variants are truncating/loss of function; Has not been previously published as pathogenic or benign to our knowledge

NM_001267550.2(TTN):c.47113G>A (p.Val15705Ile)

Genes: TTN (titin; minus strand), TTN-AS1 (TTN antisense RNA 1; plus strand). Cytogenetic location: 2q31.2.
Variant type: single nucleotide variant.
Coding change: c.47113G>A on transcript NM_001267550.2 (MANE Select); coding-DNA position 47113, G replaced by A.
Protein change: p.Val15705Ile; replaces valine 15705 with isoleucine.
Molecular consequence: missense variant.
Genome position (GRCh38, 1-based): chr2:178,618,345, C>T on the plus strand (G>A on the coding strand, the complement: TTN is on the minus strand). VCF-style: chr2-178618345-C-T. GRCh37 (hg19) VCF-style: chr2-179483072-C-T.
Other names: c.42190G>A, p.Val14064Ile (NM_001256850.1); c.19918G>A, p.Val6640Ile (NM_003319.4); c.39409G>A, p.Val13137Ile (NM_133378.4); c.20293G>A, p.Val6765Ile (NM_133432.3); c.20494G>A, p.Val6832Ile (NM_133437.4); short protein forms V13137I, V14064I, V15705I, V6640I, V6765I, V6832I.
Identifiers: ClinVar variation 2577805 (VCV002577805.1), dbSNP rs2470897796, ClinGen allele CA349619777.